The following is an entry in ClinVar:

NM_000179.3(MSH6):c.2291C>A (p.Thr764Asn)

Gene: MSH6 (mutS homolog 6; plus strand). Cytogenetic location: 2p16.3.
Variant type: single nucleotide variant.
Coding change: c.2291C>A on transcript NM_000179.3 (MANE Select); coding-DNA position 2291, C replaced by A.
Protein change: p.Thr764Asn; replaces threonine 764 with asparagine.
Molecular consequence: missense variant.
Genome position (GRCh38, 1-based): chr2:47,800,274, C>A. VCF-style: chr2-47800274-C-A. GRCh37 (hg19) VCF-style: chr2-48027413-C-A.
Other names: c.1901C>A, p.Thr634Asn (NM_001281492.2); c.1385C>A, p.Thr462Asn (NM_001281493.2, NM_001281494.2); short protein forms T764N, T634N, T462N.
Identifiers: ClinVar variation 184444 (VCV000184444.33), dbSNP rs561198849, ClinGen allele CA009966.

ClinVar aggregate classification (germline): Conflicting classifications of pathogenicity. Review status: criteria provided, conflicting classifications (1 of 4 stars). 11 submissions from 11 submitters: Uncertain significance (9); Benign (1). 1 of the submissions does not count toward it. Last evaluated 2026-01-11.

Conditions:
Hereditary nonpolyposis colorectal neoplasms. Identifiers: MedGen C0009405, MeSH D003123.
Hereditary cancer-predisposing syndrome. Also called: Hereditary neoplastic syndrome; Neoplastic Syndromes, Hereditary; Tumor predisposition; Hereditary Cancer Syndrome. Identifiers: Orphanet 140162, MedGen C0027672, MeSH D009386, MONDO:0015356.
Lynch syndrome. Identifiers: Orphanet 144, MedGen C4552100, MONDO:0005835. Disease mechanism: loss of function.
Lynch syndrome 5 (LYNCH5). Also called: Hereditary non-polyposis colorectal cancer, type 5; Colorectal cancer, hereditary nonpolyposis, type 5. Identifiers: Orphanet 144, MedGen C1833477, MONDO:0013710, OMIM 614350. Disease mechanism: loss of function.
Endometrial carcinoma. Also called: Endometrial carcinoma, somatic. Identifiers: MedGen C0476089, MONDO:0002447, OMIM 608089, HP:0012114.

Allele frequency attached by ClinVar (database versions not stated): ExAC 0.00001; gnomAD 0.00001; TOPMed 0.00001.
gnomAD v4.1: 17 of 1,614,040 alleles (0.0011%); highest among the groups gnomAD compares: South Asian, 0.0066%; no homozygotes.

Submissions (11):

Labcorp Genetics (formerly Invitae), Labcorp
Classification: Benign for Hereditary nonpolyposis colorectal neoplasms. Last evaluated: 2026-01-11. Review status: criteria provided, single submitter. Criteria: Invitae Variant Classification Sherloc (09022015). Collection method: clinical testing. Allele origin: germline.

Quest Diagnostics Nichols Institute San Juan Capistrano
Classification: Uncertain significance. Last evaluated: 2025-04-08. Review status: criteria provided, single submitter. Criteria: Quest Diagnostics criteria. Collection method: clinical testing. Allele origin: unknown.
Comment: The MSH6 c.2291C>A (p.Thr764Asn) variant has been reported in the published literature in an individual affected with colorectal cancer who also carried a MLH1 variant (PMID: 15713769 (2005)) and an individual with breast cancer (PMID: 32547938 (2020)). The frequency of this variant in the general population (Genome Aggregation Database) is uninformative in the assessment of its pathogenicity. Analysis of this variant using bioinformatics tools for the prediction of the effect of amino acid changes on protein structure and function yielded conflicting predictions that this variant is deleterious or benign. Based on the available information, we are unable to determine the clinical significance of this variant.

Ambry Genetics
Classification: Uncertain significance for Hereditary cancer-predisposing syndrome. Last evaluated: 2024-12-19. Review status: criteria provided, single submitter. Criteria: Ambry Variant Classification Scheme 2023. Collection method: clinical testing. Allele origin: germline.
Comment: The p.T764N variant (also known as c.2291C>A), located in coding exon 4 of the MSH6 gene, results from a C to A substitution at nucleotide position 2291. The threonine at codon 764 is replaced by asparagine, an amino acid with similar properties. This variant has been identified in a proband(s) who met Amsterdam I/II criteria for Lynch syndrome and tumor demonstrated high microsatellite instability; however, this variant was seen in conjunction with a pathogenic MLH1 variant (Casey G et al. JAMA 2005 Feb;293(7):799-809). The patient with this variant also reportedly carried a BRCA2 pathogenic mutation (Nikitin AG et al. Front Oncol, 2020 May;10:666). This amino acid position is not well conserved in available vertebrate species. In addition, the in silico prediction for this alteration is inconclusive. Based on the available evidence, the clinical significance of this variant remains unclear.

Women's Health and Genetics/Laboratory Corporation of America, LabCorp
Classification: Uncertain significance. Last evaluated: 2024-11-14. Review status: criteria provided, single submitter. Criteria: LabCorp Variant Classification Summary - May 2015. Collection method: clinical testing. Allele origin: germline.
Comment: Variant summary: MSH6 c.2291C>A (p.Thr764Asn) results in a non-conservative amino acid change located in the DNA mismatch repair protein MutS, core domain (IPR007696) of the encoded protein sequence. Three of five in-silico tools predict a benign effect of the variant on protein function. The variant allele was found at a frequency of 1.6e-05 in 251148 control chromosomes (gnomAD). The available data on variant occurrences in the general population are insufficient to allow any conclusion about variant significance. c.2291C>A has been reported in the literature in individuals affected with colorectal, breast, or pancreatic cancer without stong evidence for causality (Casey_2005, Nikitin_2020, Emelyanova_2024). These reports do not provide unequivocal conclusions about association of the variant with Hereditary Nonpolyposis Colorectal Cancer. To our knowledge, no experimental evidence demonstrating an impact on protein function has been reported. The following publications have been ascertained in the context of this evaluation (PMID: 15713769, 32547938, 38893230). ClinVar contains an entry for this variant (Variation ID: 184444). Based on the evidence outlined above, the variant was classified as uncertain significance.

All of Us Research Program, National Institutes of Health
Classification: Uncertain significance for Lynch syndrome. Last evaluated: 2024-05-30. Review status: criteria provided, single submitter. Criteria: ACMG Guidelines, 2015. Collection method: clinical testing. Allele origin: germline. Inheritance: Autosomal dominant inheritance. Observed: 4 variant alleles, 4 heterozygotes.
Comment: This missense variant replaces threonine with asparagine at codon 764 of the MSH6 protein. Computational prediction suggests that this variant may not impact protein structure and function (internally defined REVEL score threshold <= 0.5, PMID: 27666373). To our knowledge, functional studies have not been reported for this variant. This variant has been reported in an individual with colorectal cancer, however, this individual also carried a pathogenic variant in the MLH1 gene that could explain the observed phenotype (PMID: 15713769). This variant has also been reported in an individual affected with hereditary breast cancer (PMID: 32547938). This variant has been identified in 5/282546 chromosomes in the general population by the Genome Aggregation Database (gnomAD). The available evidence is insufficient to determine the role of this variant in disease conclusively. Therefore, this variant is classified as a Variant of Uncertain Significance.

This study involves interpretation of variants in research participants for the purpose of population health screening. Participant phenotype was not available at the time of variant classification. Additional details can be found in publication PMID: 35346344, PMCID: PMC8962531

Color Diagnostics, LLC DBA Color Health
Classification: Uncertain significance for Hereditary cancer-predisposing syndrome. Last evaluated: 2024-05-15. Review status: criteria provided, single submitter. Criteria: ACMG Guidelines, 2015. Collection method: clinical testing. Allele origin: germline.
Comment: This missense variant replaces threonine with asparagine at codon 764 of the MSH6 protein. Computational prediction suggests that this variant may not impact protein structure and function (internally defined REVEL score threshold <= 0.5, PMID: 27666373). To our knowledge, functional studies have not been reported for this variant. This variant has been reported in an individual with colorectal cancer, however, this individual also carried a pathogenic variant in the MLH1 gene that could explain the observed phenotype (PMID: 15713769). This variant has also been reported in an individual affected with hereditary breast cancer (PMID: 32547938). This variant has been identified in 5/282546 chromosomes in the general population by the Genome Aggregation Database (gnomAD). The available evidence is insufficient to determine the role of this variant in disease conclusively. Therefore, this variant is classified as a Variant of Uncertain Significance.

Baylor Genetics
Classification: Uncertain significance for Endometrial carcinoma. Last evaluated: 2023-10-12. Review status: criteria provided, single submitter. Criteria: ACMG Guidelines, 2015. Collection method: clinical testing. Allele origin: unknown.

Myriad Genetics, Inc.
Classification: Uncertain significance for Lynch syndrome 5. Last evaluated: 2023-03-28. Review status: criteria provided, single submitter. Criteria: Myriad Autosomal Dominant, Autosomal Recessive and X-Linked Classification Criteria (2023). Collection method: clinical testing. Allele origin: unknown.
Comment: This variant is classified as a variant of uncertain significance as there is insufficient evidence to determine its impact on protein function and/or cancer risk.

Sema4
Classification: Uncertain significance for Hereditary cancer-predisposing syndrome. Last evaluated: 2022-02-05. Review status: criteria provided, single submitter. Criteria: Sema4 Curation Guidelines. Collection method: curation. Allele origin: germline.
Comment: The MSH6 c.2291C>A (p.T764N) variant has been reported in heterozygosity in at least two individuals, one with Lynch syndrome (PMID: 15713769) and one with breast cancer (PMID: 32547938). However, in both cases, the patients also carried another pathogenic variant that could explain their phenotype. This variant was observed in 3/30616 chromosomes in the South Asian population according to the Genome Aggregation Database (PMID: 32461654) and in ClinVar (Variation ID: 184444). Functional studies have not been performed, and in silico predictions of the variant's effect on protein function are inconclusive. Based on the current evidence available, this variant is interpreted as a variant of uncertain significance.

GeneDx
Classification: Uncertain significance. Last evaluated: 2020-12-01. Review status: criteria provided, single submitter. Criteria: GeneDx Variant Classification Process June 2021. Collection method: clinical testing. Allele origin: germline. Affected: yes.
Comment: Not observed at a significant frequency in large population cohorts (Lek 2016); In silico analysis supports that this missense variant does not alter protein structure/function; Observed in individuals with a personal or family history including breast cancer (Nikitin 2020); Observed in an individual in published literature (Casey 2005) who had a different genetic etiology for colorectal cancer; This variant is associated with the following publications: (PMID: 15713769, 23621914, 32547938)

Counsyl
Classification: Uncertain significance for Lynch syndrome 5. Last evaluated: 2017-12-29. Review status: no assertion criteria provided. Collection method: clinical testing. Allele origin: unknown. Not counted in ClinVar's aggregate classification.

Literature cited by the submitters: PubMed 15713769 (cited by 7 submitters); PubMed 32547938 (cited by 6 submitters); PubMed 38893230 (cited by Women's Health and Genetics/Laboratory Corporation of America, LabCorp); PubMed 23621914 (cited by Counsyl).